The following is an entry in ClinVar:

ClinVar aggregate classification (germline): Conflicting classifications of pathogenicity. Review status: criteria provided, conflicting classifications (1 of 4 stars). 7 submissions from 7 submitters: Uncertain significance (2); Likely benign (5). Last evaluated 2026-01-17.

Conditions:
Inborn genetic diseases. Identifiers: MedGen C0950123, MeSH D030342.
Retinitis pigmentosa 1 (RP1). Identifiers: Orphanet 791, MedGen C0220701, MONDO:0008377, OMIM 180100.

Allele frequency attached by ClinVar (database versions not stated): gnomAD exomes 0.00019 and 0.00055; ExAC 0.00072; 1000 Genomes Project 0.00180; 1000 Genomes Project 30x 0.00187; ESP Exome Variant Server 0.00215; gnomAD 0.00236; TOPMed 0.00249.
gnomAD v4.1: 629 of 1,614,016 alleles (0.039%); highest among the groups gnomAD compares: African/African-American, 0.72%; 3 homozygotes.

Submissions (7):

Labcorp Genetics (formerly Invitae), Labcorp
Classification: Likely benign. Last evaluated: 2026-01-17. Review status: criteria provided, single submitter. Criteria: Invitae Variant Classification Sherloc (09022015). Collection method: clinical testing. Allele origin: germline.

Blueprint Genetics
Classification: Likely benign. Last evaluated: 2024-10-22. Review status: criteria provided, single submitter. Criteria: ACMG Guidelines, 2015. Collection method: clinical testing. Allele origin: germline.

Ambry Genetics
Classification: Uncertain significance for Inborn genetic diseases. Last evaluated: 2024-09-26. Review status: criteria provided, single submitter. Criteria: Ambry Variant Classification Scheme 2023. Collection method: clinical testing. Allele origin: germline.

Department of Pathology and Laboratory Medicine, Sinai Health System
Classification: Likely benign for Retinitis pigmentosa 1. Last evaluated: 2021-07-30. Review status: criteria provided, single submitter. Criteria: ACMG Guidelines, 2015. Collection method: research. Allele origin: germline.

GeneDx
Classification: Uncertain significance. Last evaluated: 2019-04-08. Review status: criteria provided, single submitter. Criteria: GeneDx Variant Classification Process June 2021. Collection method: clinical testing. Allele origin: germline. Affected: yes.
Comment: In silico analysis, which includes protein predictors and evolutionary conservation, supports that this variant does not alter protein structure/function; Reported as likely benign in ClinVar but additional evidence is not available (ClinVar SCV000332322.4; Landrum et al., 2016); Has not been previously published as pathogenic or benign to our knowledge

ARUP Laboratories, Molecular Genetics and Genomics, ARUP Laboratories
Classification: Likely benign for Retinitis pigmentosa 1. Last evaluated: 2018-08-21. Review status: criteria provided, single submitter. Criteria: ARUP Molecular Germline Variant Investigation Process. Collection method: clinical testing. Allele origin: germline.

Eurofins Ntd Llc (ga)
Classification: Likely benign. Last evaluated: 2015-06-24. Review status: criteria provided, single submitter. Criteria: EGL Classification Definitions 2015. Collection method: clinical testing. Allele origin: germline. Observed: 1 variant allele, 1 heterozygote.

NM_006269.2(RP1):c.3132A>C (p.Lys1044Asn)

Gene: RP1 (RP1 axonemal microtubule associated; plus strand). Cytogenetic location: 8q12.1.
Variant type: single nucleotide variant.
Coding change: c.3132A>C on transcript NM_006269.2 (MANE Select); coding-DNA position 3132, A replaced by C.
Protein change: p.Lys1044Asn; replaces lysine 1044 with asparagine.
Molecular consequence: missense variant.
Genome position (GRCh38, 1-based): chr8:54,627,014, A>C. VCF-style: chr8-54627014-A-C. GRCh37 (hg19) VCF-style: chr8-55539574-A-C.
Other names: short protein forms K1044N.
Identifiers: ClinVar variation 281509 (VCV000281509.28), dbSNP rs35234349, ClinGen allele CA4751646.